The following is an entry in ClinVar:

ClinVar aggregate classification (germline): Pathogenic. Review status: criteria provided, multiple submitters, no conflicts (2 of 4 stars). 4 submissions from 4 submitters: Pathogenic (4). Last evaluated 2025-09-08.

Conditions:
Ichthyosis prematurity syndrome (IPS). Also called: ICHTHYOSIS CONGENITA IV. Identifiers: Orphanet 88621, MedGen C1837610, MONDO:0012089, OMIM 608649.

Submissions (4):

Dasa
Classification: Pathogenic. Last evaluated: 2025-09-08. Review status: criteria provided, single submitter. Criteria: DASA Assertion Criteria. Collection method: clinical testing. Allele origin: germline.
Comment: NM_005094.4(SLC27A4):c.1065del (p.Arg356Alafs*4) introduces a premature termination codon predicted to result in loss of normal protein function. Loss-of-function is an established mechanism of disease for this gene. This variant has been reported in individuals with related phenotype (PMID: 27168232). The variant is present at low frequency in population datasets. Based on the available data, this variant is classified as pathogenic.

Fulgent Genetics
Classification: Pathogenic for Ichthyosis prematurity syndrome. Last evaluated: 2024-04-30. Review status: criteria provided, single submitter. Criteria: ACMG Guidelines, 2015. Collection method: clinical testing. Allele origin: germline.

Labcorp Genetics (formerly Invitae), Labcorp
Classification: Pathogenic. Last evaluated: 2024-02-14. Review status: criteria provided, single submitter. Criteria: Invitae Variant Classification Sherloc (09022015). Collection method: clinical testing. Allele origin: germline.
Comment: This sequence change creates a premature translational stop signal (p.Arg356Alafs*4) in the SLC27A4 gene. It is expected to result in an absent or disrupted protein product. Loss-of-function variants in SLC27A4 are known to be pathogenic (PMID: 19631310, 21450060). This variant is present in population databases (rs777972512, gnomAD no frequency). This premature translational stop signal has been observed in individual(s) with icthyosis prematurity syndrome (PMID: 27168232). ClinVar contains an entry for this variant (Variation ID: 1686197). For these reasons, this variant has been classified as Pathogenic.

Mendelics
Classification: Pathogenic for Ichthyosis prematurity syndrome. Last evaluated: 2022-05-04. Review status: criteria provided, single submitter. Criteria: Mendelics Assertion Criteria 2019. Collection method: clinical testing. Allele origin: germline.

Literature cited by the submitters: PubMed 27168232 (cited by Dasa and Labcorp Genetics (formerly Invitae), Labcorp); PubMed 19631310 (cited by Labcorp Genetics (formerly Invitae), Labcorp); PubMed 21450060 (cited by Labcorp Genetics (formerly Invitae), Labcorp).

NM_005094.4(SLC27A4):c.1065del (p.Arg356fs)

Gene: SLC27A4 (solute carrier family 27 member 4; plus strand). Cytogenetic location: 9q34.11.
Variant type: Deletion.
Coding change: c.1065del on transcript NM_005094.4 (MANE Select); coding-DNA position 1065, one base deleted (T; older notation c.1065delT).
Protein change: p.Arg356fs; shifts the reading frame from arginine 356.
Molecular consequence: frameshift variant.
Genome position (GRCh38, 1-based): chr9:128,353,102, T deleted; the last of 2 consecutive T bases (chr9:128,353,101-128,353,102); deleting either gives the same sequence. VCF-style (leftmost placement, unchanged base first): chr9-128353100-GT-G. GRCh37 (hg19) VCF-style: chr9-131115379-GT-G.
Other names: short protein forms R356fs.
Identifiers: ClinVar variation 1686197 (VCV001686197.5), dbSNP rs777972512, ClinGen allele CA5261167.